The following is an entry in ClinVar:

NM_133497.4(KCNV2):c.764C>T (p.Ser255Phe)

Gene: KCNV2 (potassium voltage-gated channel modifier subfamily V member 2; plus strand). Cytogenetic location: 9p24.2.
Variant type: single nucleotide variant.
Coding change: c.764C>T on transcript NM_133497.4 (MANE Select); coding-DNA position 764, C replaced by T.
Protein change: p.Ser255Phe; replaces serine 255 with phenylalanine.
Molecular consequence: missense variant.
Genome position (GRCh38, 1-based): chr9:2,718,503, C>T. VCF-style: chr9-2718503-C-T. GRCh37 (hg19) VCF-style: chr9-2718503-C-T.
Other names: short protein forms S255F.
Identifiers: ClinVar variation 1440646 (VCV001440646.6), dbSNP rs899801446, ClinGen allele CA187972889.

ClinVar aggregate classification (germline): Uncertain significance (1 of 4 stars; one submission).

Allele frequency attached by ClinVar (database versions not stated): gnomAD exomes below 0.00001.
gnomAD v4.1: 1 of 1,610,814 alleles (0.000062%); highest among the groups gnomAD compares: South Asian, 0.0011%; no homozygotes.

Submission:

Labcorp Genetics (formerly Invitae), Labcorp
Classification: Uncertain significance. Last evaluated: 2021-08-17. Review status: criteria provided, single submitter. Criteria: Invitae Variant Classification Sherloc (09022015). Collection method: clinical testing. Allele origin: germline.
Comment: This sequence change replaces serine with phenylalanine at codon 255 of the KCNV2 protein (p.Ser255Phe). The serine residue is highly conserved and there is a large physicochemical difference between serine and phenylalanine. This variant is not present in population databases (ExAC no frequency). This variant has not been reported in the literature in individuals affected with KCNV2-related conditions. Algorithms developed to predict the effect of missense changes on protein structure and function (SIFT, PolyPhen-2, Align-GVGD) all suggest that this variant is likely to be disruptive. In summary, the available evidence is currently insufficient to determine the role of this variant in disease. Therefore, it has been classified as a Variant of Uncertain Significance.